The following is an entry in ClinVar:

ClinVar aggregate classification (germline): Uncertain significance (1 of 4 stars; one submission).

Allele frequency attached by ClinVar (database versions not stated): ExAC 0.00002.
gnomAD v4.1: 98 of 1,613,982 alleles (0.0061%); highest among the groups gnomAD compares: Non-Finnish European, 0.0081%; no homozygotes.

Submission:

Labcorp Genetics (formerly Invitae), Labcorp
Classification: Uncertain significance. Last evaluated: 2022-11-03. Review status: criteria provided, single submitter. Criteria: Invitae Variant Classification Sherloc (09022015). Collection method: clinical testing. Allele origin: germline.
Comment: This sequence change replaces tyrosine, which is neutral and polar, with cysteine, which is neutral and slightly polar, at codon 219 of the CEP97 protein (p.Tyr219Cys). This variant is present in population databases (rs200003550, gnomAD 0.003%). This variant has not been reported in the literature in individuals affected with CEP97-related conditions. Algorithms developed to predict the effect of missense changes on protein structure and function (SIFT, PolyPhen-2, Align-GVGD) all suggest that this variant is likely to be disruptive. In summary, the available evidence is currently insufficient to determine the role of this variant in disease. Therefore, it has been classified as a Variant of Uncertain Significance.

NM_024548.4(CEP97):c.656A>G (p.Tyr219Cys)

Gene: CEP97 (centrosomal protein 97; plus strand). Cytogenetic location: 3q12.3.
Variant type: single nucleotide variant.
Coding change: c.656A>G on transcript NM_024548.4 (MANE Select); coding-DNA position 656, A replaced by G.
Protein change: p.Tyr219Cys; replaces tyrosine 219 with cysteine.
Molecular consequence: missense variant.
Genome position (GRCh38, 1-based): chr3:101,732,582, A>G. VCF-style: chr3-101732582-A-G. GRCh37 (hg19) VCF-style: chr3-101451426-A-G.
Other names: c.656A>G, p.Tyr219Cys (NM_001303401.2); c.554A>G, p.Tyr185Cys (NM_001410784.1, NM_001410785.1); short protein forms Y219C, Y185C.
Identifiers: ClinVar variation 2986482 (VCV002986482.3), dbSNP rs200003550, ClinGen allele CA2521958.